The following is an entry in ClinVar:

ClinVar aggregate classification (germline): Uncertain significance (1 of 4 stars; one submission).

Submission:

Ambry Genetics
Classification: Uncertain significance. Last evaluated: 2026-01-29. Review status: criteria provided, single submitter. Criteria: Ambry Variant Classification Scheme 2023. Collection method: clinical testing. Allele origin: germline.
Comment: The c.632_633delCT variant, located in coding exon 6 of the RAD51B gene, results from a deletion of two nucleotides at nucleotide positions 632 to 633, causing a translational frameshift with a predicted alternate stop codon (p.S211Cfs*10). The evidence for this gene-disease relationship is limited; therefore, the clinical significance of this variant is unclear.

NM_133510.4(RAD51B):c.632_633del (p.Ser211fs)

Gene: RAD51B (RAD51 paralog B; plus strand). Cytogenetic location: 14q24.1.
Variant type: Microsatellite.
Coding change: c.632_633del on transcript NM_133510.4 (MANE Select); coding-DNA positions 632 to 633, 2 bases deleted (CT; older notation c.632_633delCT).
Protein change: p.Ser211fs; shifts the reading frame from serine 211.
Molecular consequence: frameshift variant.
Genome position (GRCh38, 1-based): chr14:67,887,080-67,887,081, CT deleted; deleting any 2 consecutive bases within chr14:67,887,078-67,887,081 gives the same sequence; the c. name uses the placement nearest the transcript's 3' end. VCF-style (leftmost placement, unchanged base first): chr14-67887077-ACT-A. GRCh37 (hg19) VCF-style: chr14-68353794-ACT-A.
Other names: c.632_633del, p.Ser211fs (NM_001321809.2, NM_001321810.2, NM_001321812.1 and 6 more transcripts); c.518_519del, p.Ser173fs (NM_001321815.1); c.275_276del, p.Ser92fs (NM_001321817.2); short protein forms S173fs, S211fs, S92fs.
Identifiers: ClinVar variation 4824251 (VCV004824251.1).
Genomic context (GRCh38, chr14:67,887,077, plus strand): 5'-ATAGGATTGAATCTTTGGAAGAAGAAATTATCTCAAAAGGAATTAAACTTGTGATTCTTG[ACT>A]CTGTTGCTTCTGTGGTCAGAAAGGAGTTTGATGCACAACTTCAAGGCAATCTCAAAGAAA-3'